The following is an entry in ClinVar:

ClinVar aggregate classification (germline): Uncertain significance (1 of 4 stars; one submission).

Conditions:
Peroxisome biogenesis disorder 2B (PBD2B). Identifiers: Orphanet 44, MedGen C3550234, MONDO:0008736, OMIM 202370.

Submission:

Labcorp Genetics (formerly Invitae), Labcorp
Classification: Uncertain significance for Peroxisome biogenesis disorder 2B. Last evaluated: 2022-05-05. Review status: criteria provided, single submitter. Criteria: Invitae Variant Classification Sherloc (09022015). Collection method: clinical testing. Allele origin: germline.
Comment: In summary, the available evidence is currently insufficient to determine the role of this variant in disease. Therefore, it has been classified as a Variant of Uncertain Significance. Algorithms developed to predict the effect of missense changes on protein structure and function (SIFT, PolyPhen-2, Align-GVGD) all suggest that this variant is likely to be tolerated. This variant has not been reported in the literature in individuals affected with PEX5-related conditions. This variant is not present in population databases (gnomAD no frequency). This sequence change replaces glycine, which is neutral and non-polar, with aspartic acid, which is acidic and polar, at codon 232 of the PEX5 protein (p.Gly232Asp).

NM_001351132.2(PEX5):c.695G>A (p.Gly232Asp)

Gene: PEX5 (peroxisomal biogenesis factor 5; plus strand). Cytogenetic location: 12p13.31.
Variant type: single nucleotide variant.
Coding change: c.695G>A on transcript NM_001351132.2 (MANE Select); coding-DNA position 695, G replaced by A.
Protein change: p.Gly232Asp; replaces glycine 232 with aspartic acid.
Molecular consequence: missense variant. On other transcripts: intron variant (15).
Genome position (GRCh38, 1-based): chr12:7,202,293, G>A. VCF-style: chr12-7202293-G-A. GRCh37 (hg19) VCF-style: chr12-7354889-G-A.
Other names: c.695G>A, p.Gly232Asp (NM_000319.5, NM_001131025.2, NM_001131026.2 and 6 more transcripts); c.740G>A, p.Gly247Asp (NM_001131023.2); c.643-319G>A (NM_001351124.3, NM_001351126.2, NM_001374646.1 and 10 more transcripts); c.688-319G>A (NM_001351135.3, NM_001351138.2); short protein forms G247D, G232D.
Identifiers: ClinVar variation 2114259 (VCV002114259.4), dbSNP rs2540146739, ClinGen allele CA383722717.